The following is an entry in ClinVar:

ClinVar aggregate classification (germline): Uncertain significance (1 of 4 stars; one submission).

Submission:

GeneDx
Classification: Uncertain significance. Last evaluated: 2025-05-29. Review status: criteria provided, single submitter. Criteria: GeneDx Variant Classification Process June 2021. Collection method: clinical testing. Allele origin: germline. Affected: yes.
Comment: Not observed at significant frequency in large population cohorts (gnomAD); In silico analysis suggests that this missense variant does not alter protein structure/function; Has not been previously published as pathogenic or benign to our knowledge

NM_022552.5(DNMT3A):c.568T>C (p.Phe190Leu)

Gene: DNMT3A (DNA methyltransferase 3 alpha; minus strand). Cytogenetic location: 2p23.3.
Variant type: single nucleotide variant.
Coding change: c.568T>C on transcript NM_022552.5 (MANE Select); coding-DNA position 568, T replaced by C.
Protein change: p.Phe190Leu; replaces phenylalanine 190 with leucine.
Molecular consequence: missense variant. On other transcripts: non-coding transcript variant (1).
Genome position (GRCh38, 1-based): chr2:25,275,012, A>G on the plus strand (T>C on the coding strand, the complement: DNMT3A is on the minus strand). VCF-style: chr2-25275012-A-G. GRCh37 (hg19) VCF-style: chr2-25497881-A-G.
Other names: c.568T>C, p.Phe190Leu (NM_175629.2); short protein forms F190L.
Identifiers: ClinVar variation 4532508 (VCV004532508.1).